The following is an entry in ClinVar:

ClinVar aggregate classification (germline): Uncertain significance (1 of 4 stars; one submission).

Conditions:
Developmental and epileptic encephalopathy, 1 (DEE1). Also called: X-linked infantile spasms; West's syndrome; Tonic spasms with clustering, arrest of psychomotor development and hypsarrhythmia on EEG; X-Linked Infantile Spasm Syndrome; OHTAHARA SYNDROME, X-LINKED; INFANTILE SPASM SYNDROME, X-LINKED 1. Identifiers: MedGen C3463992, MONDO:0010632, OMIM 308350. Disease mechanism: loss of function.
Intellectual disability, X-linked, with or without seizures, ARX-related. Also called: INTELLECTUAL DEVELOPMENTAL DISORDER, X-LINKED 29; MENTAL RETARDATION, X-LINKED 29; MENTAL RETARDATION, X-LINKED 32; MENTAL RETARDATION, X-LINKED 33; MENTAL RETARDATION, X-LINKED 38; MENTAL RETARDATION, X-LINKED 43. Identifiers: Orphanet 777, MedGen C0796244, MONDO:0010317, OMIM 300419.

Submission:

Labcorp Genetics (formerly Invitae), Labcorp
Classification: Uncertain significance for Developmental and epileptic encephalopathy, 1; Intellectual disability, X-linked, with or without seizures, ARX-related. Last evaluated: 2022-07-12. Review status: criteria provided, single submitter. Criteria: Invitae Variant Classification Sherloc (09022015). Collection method: clinical testing. Allele origin: germline.
Comment: Advanced modeling of protein sequence and biophysical properties (such as structural, functional, and spatial information, amino acid conservation, physicochemical variation, residue mobility, and thermodynamic stability) performed at Invitae indicates that this missense variant is expected to disrupt ARX protein function. In summary, the available evidence is currently insufficient to determine the role of this variant in disease. Therefore, it has been classified as a Variant of Uncertain Significance. ClinVar contains an entry for this variant (Variation ID: 573520). This sequence change replaces isoleucine, which is neutral and non-polar, with methionine, which is neutral and non-polar, at codon 29 of the ARX protein (p.Ile29Met). This variant is not present in population databases (gnomAD no frequency). This variant has not been reported in the literature in individuals affected with ARX-related conditions.

NM_139058.3(ARX):c.87C>G (p.Ile29Met)

Gene: ARX (aristaless related homeobox; minus strand). Cytogenetic location: Xp21.3.
Variant type: single nucleotide variant.
Coding change: c.87C>G on transcript NM_139058.3 (MANE Select); coding-DNA position 87, C replaced by G.
Protein change: p.Ile29Met; replaces isoleucine 29 with methionine.
Molecular consequence: missense variant.
Genome position (GRCh38, 1-based): chrX:25,015,651, G>C on the plus strand (C>G on the coding strand, the complement: ARX is on the minus strand). VCF-style: chrX-25015651-G-C. GRCh37 (hg19) VCF-style: chrX-25033768-G-C.
Other names: short protein forms I29M.
Identifiers: ClinVar variation 573520 (VCV000573520.9), dbSNP rs148694386, ClinGen allele CA412613924.